The following is an entry in ClinVar:

NM_001349999.2(RBFOX2):c.149C>G (p.Thr50Ser)

Gene: RBFOX2 (RNA binding fox-1 homolog 2; minus strand). Cytogenetic location: 22q12.3.
Variant type: single nucleotide variant.
Coding change: c.149C>G on transcript NM_001349999.2 (MANE Select); coding-DNA position 149, C replaced by G.
Protein change: p.Thr50Ser; replaces threonine 50 with serine.
Molecular consequence: missense variant.
Genome position (GRCh38, 1-based): chr22:36,028,277, G>C on the plus strand (C>G on the coding strand, the complement: RBFOX2 is on the minus strand). VCF-style: chr22-36028277-G-C. GRCh37 (hg19) VCF-style: chr22-36424325-G-C.
Other names: c.149C>G, p.Thr50Ser (NM_001082578.4, NM_001082579.3, NM_001394108.1 and 7 more transcripts); short protein forms T50S.
Identifiers: ClinVar variation 2793056 (VCV002793056.3), dbSNP rs963836945, ClinGen allele CA411548322.

ClinVar aggregate classification (germline): Uncertain significance (1 of 4 stars; one submission).

Allele frequency attached by ClinVar (database versions not stated): TOPMed 0.00002.
gnomAD v4.1: 2 of 1,534,272 alleles (0.00013%); highest among the groups gnomAD compares: African/African-American, 0.0014%; no homozygotes.

Submission:

Labcorp Genetics (formerly Invitae), Labcorp
Classification: Uncertain significance. Last evaluated: 2023-02-16. Review status: criteria provided, single submitter. Criteria: Invitae Variant Classification Sherloc (09022015). Collection method: clinical testing. Allele origin: germline.
Comment: An algorithm developed to predict the effect of missense changes on protein structure and function (PolyPhen-2) suggests that this variant is likely to be tolerated. This sequence change replaces threonine, which is neutral and polar, with serine, which is neutral and polar, at codon 50 of the RBFOX2 protein (p.Thr50Ser). This variant is not present in population databases (gnomAD no frequency). This variant has not been reported in the literature in individuals affected with RBFOX2-related conditions. In summary, the available evidence is currently insufficient to determine the role of this variant in disease. Therefore, it has been classified as a Variant of Uncertain Significance.